The following is an entry in ClinVar:

NM_000152.5(GAA):c.2323del (p.Leu775fs)

Gene: GAA (alpha glucosidase; plus strand). Cytogenetic location: 17q25.3.
Variant type: Deletion.
Coding change: c.2323del on transcript NM_000152.5 (MANE Select); coding-DNA position 2323, one base deleted (C; older notation c.2323delC).
Protein change: p.Leu775fs; shifts the reading frame from leucine 775.
Molecular consequence: frameshift variant.
Genome position (GRCh38, 1-based): chr17:80,117,101, C deleted; the last of 2 consecutive C bases (chr17:80,117,100-80,117,101); deleting either gives the same sequence. VCF-style (leftmost placement, unchanged base first): chr17-80117099-AC-A. GRCh37 (hg19) VCF-style: chr17-78090898-AC-A.
Other names: c.2323del, p.Leu775fs (NM_001079803.3, NM_001079804.3, NM_001406741.1 and 1 more transcripts); short protein forms L775fs.
Identifiers: ClinVar variation 4817589 (VCV004817589.2).

ClinVar aggregate classification (germline): Pathogenic/Likely pathogenic. Review status: criteria provided, multiple submitters, no conflicts (2 of 4 stars). 2 submissions from 2 submitters: Pathogenic (1); Likely pathogenic (1). Last evaluated 2025-07-20.

Conditions:
Glycogen storage disease, type II (IOPD). Also called: POMPE DISEASE, INFANTILE-ONSET; GLYCOGEN STORAGE DISEASE II, INFANTILE-ONSET; ACID ALPHA-GLUCOSIDASE DEFICIENCY, INFANTILE-ONSET; GAA DEFICIENCY, INFANTILE-ONSET; ACID MALTASE DEFICIENCY, INFANTILE-ONSET; Glucosidase acid-1,4-alpha deficiency. Identifiers: Orphanet 365, MedGen C0017921, MONDO:0009290, OMIM 232300.

Submissions (2):

Myriad Genetics, Inc.
Classification: Pathogenic for Glycogen storage disease, type II. Last evaluated: 2025-07-20. Review status: criteria provided, single submitter. Criteria: Myriad Autosomal Dominant, Autosomal Recessive and X-Linked Classification Criteria (2023). Collection method: clinical testing. Allele origin: unknown.
Comment: NM_000152.3(GAA):c.2323delC(L775Cfs*6) is expected to be pathogenic in the context of Pompe disease. This variant is predicted to lead to an abnormal or absent protein product due to the creation of a premature termination codon in GAA, a gene where loss-of-function variants are known to be pathogenic. Please note: this variant was assessed in the context of healthy population screening.

Natera, Inc.
Classification: Likely pathogenic for Glycogen storage disease type II. Last evaluated: 2024-06-04. Review status: criteria provided, single submitter. Criteria: Natera Variant Classification Schema (03/2026). Collection method: clinical testing. Allele origin: germline.
Comment: The c.2323del variant in GAA is a frameshift variant predicted to shift the reading frame beginning at codon 775 and leads to a stop codon 6 codons downstream. This variant is expected to result in nonsense mediated decay, truncation, or a dysfunctional protein product. This variant is rare in the general population with a frequency below the threshold expected for the associated phenotype(s). Given the available evidence, this variant is classified as Likely Pathogenic.